The following is an entry in ClinVar:

NM_003924.4(PHOX2B):c.181A>G (p.Thr61Ala)

Genes: PHOX2B-AS1 (PHOX2B antisense RNA 1; plus strand), PHOX2B (paired like homeobox 2B; minus strand). Cytogenetic location: 4p13.
Variant type: single nucleotide variant.
Coding change: c.181A>G on transcript NM_003924.4 (MANE Select); coding-DNA position 181, A replaced by G.
Protein change: p.Thr61Ala; replaces threonine 61 with alanine.
Molecular consequence: missense variant.
Genome position (GRCh38, 1-based): chr4:41,748,430, T>C on the plus strand (A>G on the coding strand, the complement: PHOX2B is on the minus strand). VCF-style: chr4-41748430-T-C. GRCh37 (hg19) VCF-style: chr4-41750447-T-C.
Other names: short protein forms T61A.
Identifiers: ClinVar variation 653892 (VCV000653892.12), dbSNP rs1273459140, ClinGen allele CA356740908.

ClinVar aggregate classification (germline): Uncertain significance. Review status: criteria provided, multiple submitters, no conflicts (2 of 4 stars). 2 submissions from 2 submitters: Uncertain significance (2). Last evaluated 2025-12-21.

Conditions:
Hereditary cancer-predisposing syndrome. Also called: Neoplastic Syndromes, Hereditary; Hereditary neoplastic syndrome; Tumor predisposition; Hereditary Cancer Syndrome. Identifiers: Orphanet 140162, MedGen C0027672, MeSH D009386, MONDO:0015356.
Haddad syndrome (OHD). Also called: Ondine-Hirschsprung disease. Identifiers: Orphanet 99803, MedGen C1859049, MONDO:0020493.

Submissions (2):

Ambry Genetics
Classification: Uncertain significance for Hereditary cancer-predisposing syndrome. Last evaluated: 2025-12-21. Review status: criteria provided, single submitter. Criteria: Ambry Variant Classification Scheme 2023. Collection method: clinical testing. Allele origin: germline.
Comment: The p.T61A variant (also known as c.181A>G), located in coding exon 1 of the PHOX2B gene, results from an A to G substitution at nucleotide position 181. The threonine at codon 61 is replaced by alanine, an amino acid with similar properties. This amino acid position is conserved. In addition, this alteration is predicted to be tolerated by in silico analysis. Based on the available evidence, the clinical significance of this variant remains unclear.

Labcorp Genetics (formerly Invitae), Labcorp
Classification: Uncertain significance for Haddad syndrome. Last evaluated: 2023-06-25. Review status: criteria provided, single submitter. Criteria: Invitae Variant Classification Sherloc (09022015). Collection method: clinical testing. Allele origin: germline.
Comment: This sequence change replaces threonine, which is neutral and polar, with alanine, which is neutral and non-polar, at codon 61 of the PHOX2B protein (p.Thr61Ala). This variant is not present in population databases (gnomAD no frequency). This variant has not been reported in the literature in individuals affected with PHOX2B-related conditions. ClinVar contains an entry for this variant (Variation ID: 653892). Advanced modeling of protein sequence and biophysical properties (such as structural, functional, and spatial information, amino acid conservation, physicochemical variation, residue mobility, and thermodynamic stability) performed at Invitae indicates that this missense variant is not expected to disrupt PHOX2B protein function. In summary, the available evidence is currently insufficient to determine the role of this variant in disease. Therefore, it has been classified as a Variant of Uncertain Significance.